The following is an entry in ClinVar:

NM_005157.6(ABL1):c.297G>T (p.Trp99Cys)

Gene: ABL1 (ABL proto-oncogene 1, non-receptor tyrosine kinase; plus strand). Cytogenetic location: 9q34.12.
Variant type: single nucleotide variant.
Coding change: c.297G>T on transcript NM_005157.6 (MANE Select); coding-DNA position 297, G replaced by T.
Protein change: p.Trp99Cys; replaces tryptophan 99 with cysteine.
Molecular consequence: missense variant.
Genome position (GRCh38, 1-based): chr9:130,854,844, G>T. VCF-style: chr9-130854844-G-T. GRCh37 (hg19) VCF-style: chr9-133730231-G-T.
Other names: c.354G>T, p.Trp118Cys (NM_007313.3); short protein forms W118C, W99C.
Identifiers: ClinVar variation 4884467 (VCV004884467.1).

ClinVar aggregate classification (germline): Pathogenic (1 of 4 stars; one submission).

Conditions:
Congenital heart defects and skeletal malformations syndrome. Identifiers: Orphanet 643503, MedGen C4539857, MONDO:0060532, OMIM 617602.

Submission:

Pediatrics/Division of Genetics and Metabolism, University of Kentucky
Classification: Pathogenic for Congenital heart defects and skeletal malformations syndrome. Last evaluated: 2026-07-25. Review status: criteria provided, single submitter. Criteria: ACMG Guidelines, 2015. Collection method: clinical testing, in vitro. Allele origin: de novo, not applicable. Affected: yes. Observed: 1 variant allele. Functional consequence: increased enzyme activity.
Comment: The (p.Trp118Cys) is a missense variant. This variant was found to be de novo (PS2), and it is absent in control populations (PM2). There are multiple lines of computational evidence supporting a deleterious effect (PP3). Another missense variant at the same residue reported in ClinVar (PM5). In summary, this variant meets the criteria to be classified as pathogenic based on the ACMG/AMP criteria applied.